The following is an entry in ClinVar:

ClinVar aggregate classification (germline): Conflicting classifications of pathogenicity. Review status: criteria provided, conflicting classifications (1 of 4 stars). 5 submissions from 5 submitters: Pathogenic (1); Likely pathogenic (1); Uncertain significance (2). 1 of the submissions does not count toward it. Last evaluated 2025-03-04.

Conditions:
Arthrogryposis multiplex congenita 6. Identifiers: MedGen C5543431, MONDO:0030281, OMIM 619334.
Nemaline myopathy. Also called: Myopathies, Nemaline. Identifiers: Orphanet 607, MedGen C0206157, MONDO:0018958.
Nemaline myopathy 2 (NEM2). Also called: Nemaline myopathy 2, autosomal recessive. Identifiers: MedGen C1850569, MONDO:0009725, OMIM 256030.

Allele frequency attached by ClinVar (database versions not stated): gnomAD exomes below 0.00001.
gnomAD v4.1: 3 of 1,605,010 alleles (0.00019%); highest among the groups gnomAD compares: East Asian, 0.0067%; no homozygotes.

Submissions (5):

Broad Center for Mendelian Genomics, Broad Institute of MIT and Harvard
Classification: Likely pathogenic for Nemaline myopathy. Last evaluated: 2025-03-04. Review status: criteria provided, single submitter. Criteria: ACMG Guidelines, 2015. Collection method: curation. Allele origin: germline. Inheritance: Autosomal recessive inheritance.
Comment: The c.20158-6A>G variant in NEB has been reported, in the compound heterozygous state, in 1 individual with nemaline myopathy (PMID: 30467404), and has been identified in 0.007% (3/44668) of East Asian chromosomes by the Genome Aggregation Database (gnomAD; dbSNP ID: rs1553715636). Although this variant has been seen in the general population in a heterozygous state, its frequency is low enough to be consistent with a recessive carrier frequency. This variant has also been reported in ClinVar (Variation ID: 489291) and has been interpreted as pathogenic by Baylor Genetics and a variant of uncertain significance by GeneDx, 3billion, and Natera, Inc. This variant is located in the 3‚Äô splice region. Computational tools do suggest an impact to splicing. However, this information is not predictive enough to determine pathogenicity. RNAseq analysis performed on affected tissue shows alternate splicing in 2170/9477 reads. Loss of function of the NEB gene is an established disease mechanism in autosomal recessive nemaline myopathy. In summary, although additional studies are required to fully establish its clinical significance, this variant is likely pathogenic for autosomal recessive nemaline myopathy. ACMG/AMP Criteria applied: PVS1_strong, PM2_supporting, PM3_supporting (Richards 2015).

Baylor Genetics
Classification: Pathogenic for Arthrogryposis multiplex congenita 6. Last evaluated: 2023-06-28. Review status: criteria provided, single submitter. Criteria: ACMG Guidelines, 2015. Collection method: clinical testing. Allele origin: unknown.

3billion
Classification: Uncertain significance for Arthrogryposis multiplex congenita 6. Last evaluated: 2022-05-22. Review status: criteria provided, single submitter. Criteria: ACMG Guidelines, 2015. Collection method: clinical testing. Allele origin: germline. Affected: yes. Observed: 1 heterozygote.
Comment: The variant is not observed in the gnomAD v2.1.1 dataset. Splice region (3-8 bases of the intron) variant: see below. In silico tools predict the variant to alter splicing and produce an abnormal transcript (SpliceAI: 1.00). Therefore, this variant is classified as uncertain significanceaccording to the recommendation of ACMG/AMP guideline.

GeneDx
Classification: Uncertain significance. Last evaluated: 2017-12-18. Review status: criteria provided, single submitter. Criteria: GeneDx Variant Classification (06012015). Collection method: clinical testing. Allele origin: germline. Affected: yes.
Comment: A variant of uncertain significance has been identified in the NEB gene. The c.20158-6 A>G variant has not been published as a pathogenic variant, nor has it been reported as a benign variant to our knowledge. The c.20158-6 A>G variant is not observed in large population cohorts (Lek et al., 2016). Several in silico splice prediction models predict that c.20158-6 A>G creates a cryptic acceptor site which may supplant the natural acceptor site and lead to abnormal gene splicing. However, in the absence of RNA/functional studies, the actual effect of this sequence change in this individual is unknown. This nucleotide substitution occurs at a position that is not conserved. Therefore, based on the currently available information, it is unclear whether this variant is a pathogenic variant or a rare benign variant.

Natera, Inc.
Classification: Uncertain significance for Nemaline myopathy type 2. Last evaluated: 2021-07-28. Review status: no assertion criteria provided. Collection method: clinical testing. Allele origin: germline. Not counted in ClinVar's aggregate classification.

NM_001164508.2(NEB):c.20158-6A>G

Gene: NEB (nebulin; minus strand). Cytogenetic location: 2q23.3.
Variant type: single nucleotide variant.
Coding change: c.20158-6A>G on transcript NM_001164508.2 (MANE Select); 6 bases into the intron before coding-DNA position 20158, A replaced by G.
Molecular consequence: intron variant.
Genome position (GRCh38, 1-based): chr2:151,547,744, T>C on the plus strand (A>G on the coding strand, the complement: NEB is on the minus strand). VCF-style: chr2-151547744-T-C. GRCh37 (hg19) VCF-style: chr2-152404258-T-C.
Other names: c.15055-6A>G (NM_004543.5); c.20158-6A>G (NM_001164507.2, NM_001271208.2).
Identifiers: ClinVar variation 489291 (VCV000489291.5), dbSNP rs1553715636, ClinGen allele CA658683265.